The following is an entry in ClinVar:

NM_020999.4(NEUROG3):c.389A>G (p.Asn130Ser)

Gene: NEUROG3 (neurogenin 3; minus strand). Cytogenetic location: 10q22.1.
Variant type: single nucleotide variant.
Coding change: c.389A>G on transcript NM_020999.4 (MANE Select); coding-DNA position 389, A replaced by G.
Protein change: p.Asn130Ser; replaces asparagine 130 with serine.
Molecular consequence: missense variant.
Genome position (GRCh38, 1-based): chr10:69,572,655, T>C on the plus strand (A>G on the coding strand, the complement: NEUROG3 is on the minus strand). VCF-style: chr10-69572655-T-C. GRCh37 (hg19) VCF-style: chr10-71332411-T-C.
Other names: short protein forms N130S.
Identifiers: ClinVar variation 2482208 (VCV002482208.3), dbSNP rs2540709863, ClinGen allele CA376922133.

ClinVar aggregate classification (germline): Uncertain significance. Review status: criteria provided, multiple submitters, no conflicts (2 of 4 stars). 2 submissions from 2 submitters: Uncertain significance (2). Last evaluated 2023-06-23.

Conditions:
Inborn genetic diseases. Identifiers: MedGen C0950123, MeSH D030342.
Congenital malabsorptive diarrhea 4. Also called: ENTERIC ANENDOCRINOSIS; DIARRHEA 4, MALABSORPTIVE, CONGENITAL, WITH DIABETES MELLITUS AND COMBINED PITUITARY HORMONE DEFICIENCY. Identifiers: Orphanet 83620, MedGen C1835888, MONDO:0012479, OMIM 610370, HP:6001346.

Submissions (2):

3billion
Classification: Uncertain significance for Congenital malabsorptive diarrhea 4. Last evaluated: 2023-06-23. Review status: criteria provided, single submitter. Criteria: ACMG Guidelines, 2015. Collection method: clinical testing. Allele origin: germline. Affected: yes.
Comment: The variant is not observed in the gnomAD v2.1.1 dataset. Predicted Consequence/Location: Missense changes are a common disease-causing mechanism. Therefore, this variant is classified as VUS according to the recommendation of ACMG/AMP guideline.

Ambry Genetics
Classification: Uncertain significance for Inborn genetic diseases. Last evaluated: 2023-02-07. Review status: criteria provided, single submitter. Criteria: Ambry Variant Classification Scheme 2023. Collection method: clinical testing. Allele origin: germline.